The following is an entry in ClinVar:

ClinVar aggregate classification (germline): Pathogenic (1 of 4 stars; one submission).

Conditions:
Inborn genetic diseases. Identifiers: MedGen C0950123, MeSH D030342.

Submission:

Ambry Genetics
Classification: Pathogenic for Inborn genetic diseases. Last evaluated: 2025-10-06. Review status: criteria provided, single submitter. Criteria: Ambry Variant Classification Scheme 2023. Collection method: clinical testing. Allele origin: germline.
Comment: The c.1370delC pathogenic mutation, located in coding exon 5 of the MBD4 gene, results from a deletion of one nucleotide at nucleotide position 1370, causing a translational frameshift with a predicted alternate stop codon (p.T457Ifs*28). This variant is considered to be rare based on population cohorts in the Genome Aggregation Database (gnomAD). This alteration is expected to result in loss of function by premature protein truncation or nonsense-mediated mRNA decay. As such, this alteration is interpreted as a disease-causing mutation.

NM_001276270.2(MBD4):c.1370del (p.Thr457fs)

Gene: MBD4 (methyl-CpG binding domain 4, DNA glycosylase; minus strand). Cytogenetic location: 3q21.3.
Variant type: Deletion.
Coding change: c.1370del on transcript NM_001276270.2 (MANE Select); coding-DNA position 1370, one base deleted (C; older notation c.1370delC).
Protein change: p.Thr457fs; shifts the reading frame from threonine 457.
Molecular consequence: frameshift variant.
Genome position (GRCh38, 1-based): chr3:129,433,873, G deleted on the plus strand (C on the coding strand, the reverse complement: MBD4 is on the minus strand). VCF-style (leftmost placement, unchanged base first): chr3-129433872-AG-A. GRCh37 (hg19) VCF-style: chr3-129152715-AG-A.
Other names: c.1388del, p.Thr463fs (NM_001276271.2, NM_001276272.2, NM_003925.3); c.434del, p.Thr145fs (NM_001276273.2); c.1370delC (NM_001276270.2); short protein forms T145fs, T457fs, T463fs.
Identifiers: ClinVar variation 4624388 (VCV004624388.1).